The following is an entry in ClinVar:

NM_001376.5(DYNC1H1):c.11290G>A (p.Asp3764Asn)

Gene: DYNC1H1 (dynein cytoplasmic 1 heavy chain 1; plus strand). Cytogenetic location: 14q32.31.
Variant type: single nucleotide variant.
Coding change: c.11290G>A on transcript NM_001376.5 (MANE Select); coding-DNA position 11290, G replaced by A.
Protein change: p.Asp3764Asn; replaces aspartic acid 3764 with asparagine.
Molecular consequence: missense variant.
Genome position (GRCh38, 1-based): chr14:102,039,084, G>A. VCF-style: chr14-102039084-G-A. GRCh37 (hg19) VCF-style: chr14-102505421-G-A.
Other names: short protein forms D3764N.
Identifiers: ClinVar variation 1918433 (VCV001918433.6), dbSNP rs2503844480, ClinGen allele CA391033250.

ClinVar aggregate classification (germline): Uncertain significance. Review status: criteria provided, multiple submitters, no conflicts (2 of 4 stars). 2 submissions from 2 submitters: Uncertain significance (2). Last evaluated 2024-07-02.

Conditions:
Charcot-Marie-Tooth disease axonal type 2O. Also called: CHARCOT-MARIE-TOOTH NEUROPATHY, AXONAL, TYPE 2O; CHARCOT-MARIE-TOOTH DISEASE, AXONAL, AUTOSOMAL DOMINANT, TYPE 2O; Charcot-Marie-Tooth Neuropathy Type 2O; Charcot-Marie-Tooth disease, axonal, type 20. Identifiers: Orphanet 284232, MedGen C3280220, MONDO:0013644, OMIM 614228.

Allele frequency attached by ClinVar (database versions not stated): gnomAD exomes below 0.00001.
gnomAD v4.1: 4 of 1,614,196 alleles (0.00025%); highest among the groups gnomAD compares: South Asian, 0.0011%; no homozygotes.

Submissions (2):

Women's Health and Genetics/Laboratory Corporation of America, LabCorp
Classification: Uncertain significance. Last evaluated: 2024-07-02. Review status: criteria provided, single submitter. Criteria: LabCorp Variant Classification Summary - May 2015. Collection method: clinical testing. Allele origin: germline.
Comment: Variant summary: DYNC1H1 c.11290G>A (p.Asp3764Asn) results in a conservative amino acid change located in the Dynein heavy chain, ATP-binding dynein motor region (IPR035706) of the encoded protein sequence. Three of five in-silico tools predict a benign effect of the variant on protein function. The variant was absent in 251478 control chromosomes. The available data on variant occurrences in the general population are insufficient to allow any conclusion about variant significance. To our knowledge, no occurrence of c.11290G>A in individuals affected with DYNC1H1-Related Disorders and no experimental evidence demonstrating its impact on protein function have been reported. ClinVar contains an entry for this variant (Variation ID: 1918433). Based on the evidence outlined above, the variant was classified as uncertain significance.

Labcorp Genetics (formerly Invitae), Labcorp
Classification: Uncertain significance for Charcot-Marie-Tooth disease axonal type 2O. Last evaluated: 2022-06-03. Review status: criteria provided, single submitter. Criteria: Invitae Variant Classification Sherloc (09022015). Collection method: clinical testing. Allele origin: germline.
Comment: This sequence change replaces aspartic acid, which is acidic and polar, with asparagine, which is neutral and polar, at codon 3764 of the DYNC1H1 protein (p.Asp3764Asn). In summary, the available evidence is currently insufficient to determine the role of this variant in disease. Therefore, it has been classified as a Variant of Uncertain Significance. Algorithms developed to predict the effect of missense changes on protein structure and function are either unavailable or do not agree on the potential impact of this missense change (SIFT: "Tolerated"; PolyPhen-2: "Possibly Damaging"; Align-GVGD: "Class C0"). This variant has not been reported in the literature in individuals affected with DYNC1H1-related conditions. This variant is not present in population databases (gnomAD no frequency).